The following is an entry in ClinVar:

ClinVar aggregate classification (germline): Likely benign (1 of 4 stars; one submission).

Allele frequency attached by ClinVar (database versions not stated): ExAC 0.00002; gnomAD 0.00002; TOPMed 0.00004; gnomAD exomes 0.00005.
gnomAD v4.1: 62 of 1,210,427 alleles (0.0051%); highest among the groups gnomAD compares: Non-Finnish European, 0.0057%; no homozygotes.

Submission:

CeGaT Center for Human Genetics Tuebingen
Classification: Likely benign. Last evaluated: 2022-10-01. Review status: criteria provided, single submitter. Criteria: CeGaT Center For Human Genetics Tuebingen Variant Classification Criteria Version 2. Collection method: clinical testing. Allele origin: germline. Affected: yes. Observed: 1 variant allele.
Comment: MAMLD1: BP4, BP7

NM_005491.5(MAMLD1):c.843C>T (p.Ser281=)

Gene: MAMLD1 (mastermind like domain containing 1; plus strand). Cytogenetic location: Xq28.
Variant type: single nucleotide variant.
Coding change: c.843C>T on transcript NM_005491.5 (MANE Select); coding-DNA position 843, C replaced by T.
Protein change: p.Ser281=; no amino-acid change (serine 281 retained).
Molecular consequence: synonymous variant.
Genome position (GRCh38, 1-based): chrX:150,470,416, C>T. VCF-style: chrX-150470416-C-T. GRCh37 (hg19) VCF-style: chrX-149638688-C-T.
Other names: c.768C>T, p.Ser256= (NM_001177465.3, NM_001177466.3, NM_001400514.1); c.843C>T, p.Ser281= (NM_001400512.1, NM_001400513.1, NM_001400515.1).
Identifiers: ClinVar variation 2661629 (VCV002661629.24), dbSNP rs782329782, ClinGen allele CA10538710.